The following is an entry in ClinVar:

ClinVar aggregate classification (germline): Conflicting classifications of pathogenicity. Review status: criteria provided, conflicting classifications (1 of 4 stars). 2 submissions from 2 submitters: Uncertain significance (1); Likely benign (1). Last evaluated 2025-12-28.

Conditions:
TRPC5-related disorder. Also called: TRPC5-related condition.

Allele frequency attached by ClinVar (database versions not stated): TOPMed 0.00003; ExAC 0.00005; gnomAD 0.00005; gnomAD exomes 0.00006; 1000 Genomes Project 30x 0.00021; 1000 Genomes Project 0.00026.
gnomAD v4.1: 75 of 1,209,798 alleles (0.0062%); highest among the groups gnomAD compares: Non-Finnish European, 0.0074%; no homozygotes.

Submissions (2):

PreventionGenetics, part of Exact Sciences
Classification: Likely benign for TRPC5-related condition. Last evaluated: 2025-12-28. Review status: criteria provided, single submitter. Criteria: ACMG Guidelines, 2015. Collection method: clinical testing. Allele origin: germline.
Comment: This variant is classified as likely benign based on ACMG/AMP sequence variant interpretation guidelines (Richards et al. 2015 PMID: 25741868, with internal and published modifications).

Ambry Genetics
Classification: Uncertain significance. Last evaluated: 2023-02-15. Review status: criteria provided, single submitter. Criteria: Ambry Variant Classification Scheme 2023. Collection method: clinical testing. Allele origin: germline.

NM_012471.3(TRPC5):c.49C>T (p.Arg17Cys)

Gene: TRPC5 (transient receptor potential cation channel subfamily C member 5; minus strand). Cytogenetic location: Xq23.
Variant type: single nucleotide variant.
Coding change: c.49C>T on transcript NM_012471.3 (MANE Select); coding-DNA position 49, C replaced by T.
Protein change: p.Arg17Cys; replaces arginine 17 with cysteine.
Molecular consequence: missense variant.
Genome position (GRCh38, 1-based): chrX:111,952,372, G>A on the plus strand (C>T on the coding strand, the complement: TRPC5 is on the minus strand). VCF-style: chrX-111952372-G-A. GRCh37 (hg19) VCF-style: chrX-111195600-G-A.
Other names: short protein forms R17C.
Identifiers: ClinVar variation 2463933 (VCV002463933.5), dbSNP rs199916064, ClinGen allele CA10494459.